The following is an entry in ClinVar:

ClinVar aggregate classification (germline): Uncertain significance (1 of 4 stars; one submission).

Conditions:
Inborn genetic diseases. Identifiers: MedGen C0950123, MeSH D030342.

Submission:

Ambry Genetics
Classification: Uncertain significance for Inborn genetic diseases. Last evaluated: 2026-06-12. Review status: criteria provided, single submitter. Criteria: Ambry Variant Classification Scheme 2023. Collection method: clinical testing. Allele origin: germline.
Comment: The p.C1267R variant (also known as c.3799T>C), located in coding exon 1 of the SAMD9L gene, results from a T to C substitution at nucleotide position 3799. The cysteine at codon 1267 is replaced by arginine, an amino acid with highly dissimilar properties. This amino acid position is conserved. In addition, this alteration is predicted to be tolerated by in silico analysis. Based on the available evidence, the clinical significance of this variant remains unclear.

NM_152703.5(SAMD9L):c.3799T>C (p.Cys1267Arg)

Gene: SAMD9L (sterile alpha motif domain containing 9 like; minus strand). Cytogenetic location: 7q21.2.
Variant type: single nucleotide variant.
Coding change: c.3799T>C on transcript NM_152703.5 (MANE Select); coding-DNA position 3799, T replaced by C.
Protein change: p.Cys1267Arg; replaces cysteine 1267 with arginine.
Molecular consequence: missense variant.
Genome position (GRCh38, 1-based): chr7:93,132,173, A>G on the plus strand (T>C on the coding strand, the complement: SAMD9L is on the minus strand). VCF-style: chr7-93132173-A-G. GRCh37 (hg19) VCF-style: chr7-92761486-A-G.
Other names: c.3799T>C, p.Cys1267Arg (NM_001303496.3, NM_001303497.3, NM_001303498.3 and 5 more transcripts); short protein forms C1267R.
Identifiers: ClinVar variation 4864034 (VCV004864034.1).